The following is an entry in ClinVar:

NM_032737.4(LMNB2):c.1062C>T (p.Asp354=)

Gene: LMNB2 (lamin B2; minus strand). Cytogenetic location: 19p13.3.
Variant type: single nucleotide variant.
Coding change: c.1062C>T on transcript NM_032737.4 (MANE Select); coding-DNA position 1062, C replaced by T.
Protein change: p.Asp354=; no amino-acid change (aspartic acid 354 retained).
Molecular consequence: synonymous variant.
Genome position (GRCh38, 1-based): chr19:2,434,435, G>A on the plus strand (C>T on the coding strand, the complement: LMNB2 is on the minus strand). VCF-style: chr19-2434435-G-A. GRCh37 (hg19) VCF-style: chr19-2434433-G-A.
Identifiers: ClinVar variation 718215 (VCV000718215.11), dbSNP rs1452537561, ClinGen allele CA505149087.

ClinVar aggregate classification (germline): Likely benign. Review status: criteria provided, multiple submitters, no conflicts (2 of 4 stars). 2 submissions from 2 submitters: Likely benign (2). Last evaluated 2026-09-01.

Conditions:
Progressive myoclonic epilepsy type 9. Identifiers: Orphanet 457265, MedGen C4225289, MONDO:0014685, OMIM 616540.
Lipodystrophy, partial, acquired, susceptibility to (APLD). Also called: APLD, SUSCEPTIBILITY TO. Identifiers: MedGen C3887501, MONDO:0100476, OMIM 608709.

Allele frequency attached by ClinVar (database versions not stated): gnomAD 0.00001 and 0.00002; gnomAD exomes 0.00001; TOPMed 0.00001.
gnomAD v4.1: 22 of 1,613,340 alleles (0.0014%); highest among the groups gnomAD compares: East Asian, 0.0089%; no homozygotes.

Submissions (2):

CeGaT Center for Human Genetics Tuebingen
Classification: Likely benign. Last evaluated: 2026-09-01. Review status: criteria provided, single submitter. Criteria: CeGaT Center For Human Genetics Tuebingen Variant Classification Criteria Version 2. Collection method: clinical testing. Allele origin: germline. Affected: yes. Observed: 1 variant allele.
Comment: LMNB2: BP4, BP7

Labcorp Genetics (formerly Invitae), Labcorp
Classification: Likely benign for Progressive myoclonic epilepsy type 9; Lipodystrophy, partial, acquired, susceptibility to. Last evaluated: 2022-09-06. Review status: criteria provided, single submitter. Criteria: Invitae Variant Classification Sherloc (09022015). Collection method: clinical testing. Allele origin: germline.